The following is an entry in ClinVar:

ClinVar aggregate classification (germline): Uncertain significance (1 of 4 stars; one submission).

Conditions:
Emery-Dreifuss muscular dystrophy 4, autosomal dominant (EDMD4). Also called: EMERY-DREIFUSS MUSCULAR DYSTROPHY 4 WITH VARIABLE FEATURES. Identifiers: Orphanet 261, MedGen C2751807, MONDO:0013071, OMIM 612998.
Autosomal recessive ataxia, Beauce type. Also called: SYNE1 Deficiency; Spinocerebellar ataxia, autosomal recessive 8; ATAXIA, RECESSIVE, OF BEAUCE; SYNE1-Related Autosomal Recessive Cerebellar Ataxia. Identifiers: Orphanet 88644, MedGen C1853116, MONDO:0012549, OMIM 610743.

Allele frequency attached by ClinVar (database versions not stated): gnomAD 0.00001; gnomAD exomes 0.00001; TOPMed 0.00001.
gnomAD v4.1: 12 of 1,614,054 alleles (0.00074%); no homozygotes.

Submission:

Labcorp Genetics (formerly Invitae), Labcorp
Classification: Uncertain significance for Emery-Dreifuss muscular dystrophy 4, autosomal dominant; Autosomal recessive ataxia, Beauce type. Last evaluated: 2022-06-24. Review status: criteria provided, single submitter. Criteria: Invitae Variant Classification Sherloc (09022015). Collection method: clinical testing. Allele origin: germline.
Comment: This sequence change falls in intron 92 of the SYNE1 gene. It does not directly change the encoded amino acid sequence of the SYNE1 protein. It affects a nucleotide within the consensus splice site. This variant is present in population databases (no rsID available, gnomAD 0.03%). This variant has not been reported in the literature in individuals affected with SYNE1-related conditions. Variants that disrupt the consensus splice site are a relatively common cause of aberrant splicing (PMID: 17576681, 9536098). Algorithms developed to predict the effect of sequence changes on RNA splicing suggest that this variant is not likely to affect RNA splicing. In summary, the available evidence is currently insufficient to determine the role of this variant in disease. Therefore, it has been classified as a Variant of Uncertain Significance.

Literature cited by the submitters: PubMed 17576681; PubMed 9536098.

NM_182961.4(SYNE1):c.17682+4C>T

Gene: SYNE1 (spectrin repeat containing nuclear envelope protein 1; minus strand). Cytogenetic location: 6q25.2.
Variant type: single nucleotide variant.
Coding change: c.17682+4C>T on transcript NM_182961.4 (MANE Select); 4 bases into the intron after coding-DNA position 17682, C replaced by T.
Molecular consequence: intron variant.
Genome position (GRCh38, 1-based): chr6:152,300,637, G>A on the plus strand (C>T on the coding strand, the complement: SYNE1 is on the minus strand). VCF-style: chr6-152300637-G-A. GRCh37 (hg19) VCF-style: chr6-152621772-G-A.
Other names: c.17469+4C>T (NM_033071.5).
Identifiers: ClinVar variation 2059647 (VCV002059647.1), dbSNP rs911300165, ClinGen allele CA150197329.